The following is an entry in ClinVar:

NM_000548.5(TSC2):c.3730C>A (p.His1244Asn)

Gene: TSC2 (TSC complex subunit 2; plus strand). Cytogenetic location: 16p13.3.
Variant type: single nucleotide variant.
Coding change: c.3730C>A on transcript NM_000548.5 (MANE Select); coding-DNA position 3730, C replaced by A.
Protein change: p.His1244Asn; replaces histidine 1244 with asparagine.
Molecular consequence: missense variant.
Genome position (GRCh38, 1-based): chr16:2,081,714, C>A. VCF-style: chr16-2081714-C-A. GRCh37 (hg19) VCF-style: chr16-2131715-C-A.
Other names: c.3598C>A, p.His1200Asn (NM_001077183.3, NM_001370404.1); c.3730C>A, p.His1244Asn (NM_001114382.3); c.3490C>A, p.His1164Asn (NM_001318827.2); c.3454C>A, p.His1152Asn (NM_001318829.2); c.2998C>A, p.His1000Asn (NM_001318831.2); c.3631C>A, p.His1211Asn (NM_001318832.2); c.3601C>A, p.His1201Asn (NM_001363528.2, NM_001370405.1, NM_021055.3); short protein forms H1164N, H1000N, H1200N, H1211N, H1152N, H1201N, H1244N.
Identifiers: ClinVar variation 862789 (VCV000862789.12), dbSNP rs993614997, ClinGen allele CA394292868.

ClinVar aggregate classification (germline): Uncertain significance. Review status: criteria provided, multiple submitters, no conflicts (2 of 4 stars). 2 submissions from 2 submitters: Uncertain significance (2). Last evaluated 2020-04-30.

Conditions:
Hereditary cancer-predisposing syndrome. Also called: Tumor predisposition; Hereditary Cancer Syndrome; Neoplastic Syndromes, Hereditary; Hereditary neoplastic syndrome. Identifiers: Orphanet 140162, MedGen C0027672, MeSH D009386, MONDO:0015356.
Tuberous sclerosis 2 (TSC2). Identifiers: Orphanet 805, MedGen C1860707, MONDO:0013199, OMIM 613254.

Submissions (2):

Ambry Genetics
Classification: Uncertain significance for Hereditary cancer-predisposing syndrome. Last evaluated: 2020-04-30. Review status: criteria provided, single submitter. Criteria: Ambry Variant Classification Scheme 2023. Collection method: clinical testing. Allele origin: germline.
Comment: The p.H1244N variant (also known as c.3730C>A), located in coding exon 30 of the TSC2 gene, results from a C to A substitution at nucleotide position 3730. The histidine at codon 1244 is replaced by asparagine, an amino acid with similar properties. This amino acid position is poorly conserved in available vertebrate species. In addition, the in silico prediction for this alteration is inconclusive. Since supporting evidence is limited at this time, the clinical significance of this alteration remains unclear.

Labcorp Genetics (formerly Invitae), Labcorp
Classification: Uncertain significance for Tuberous sclerosis 2. Last evaluated: 2019-04-04. Review status: criteria provided, single submitter. Criteria: Invitae Variant Classification Sherloc (09022015). Collection method: clinical testing. Allele origin: germline.
Comment: In summary, the available evidence is currently insufficient to determine the role of this variant in disease. Therefore, it has been classified as a Variant of Uncertain Significance. Algorithms developed to predict the effect of missense changes on protein structure and function (SIFT, PolyPhen-2, Align-GVGD) all suggest that this variant is likely to be tolerated, but these predictions have not been confirmed by published functional studies and their clinical significance is uncertain. This sequence change replaces histidine with asparagine at codon 1244 of the TSC2 protein (p.His1244Asn). The histidine residue is moderately conserved and there is a small physicochemical difference between histidine and asparagine. This variant is not present in population databases (ExAC no frequency). This variant has not been reported in the literature in individuals with TSC2-related conditions.